The following is an entry in ClinVar:

NM_031443.4(CCM2):c.1250A>G (p.Glu417Gly)

Gene: CCM2 (CCM2 scaffold protein; plus strand). Cytogenetic location: 7p13.
Variant type: single nucleotide variant.
Coding change: c.1250A>G on transcript NM_031443.4 (MANE Select); coding-DNA position 1250, A replaced by G.
Protein change: p.Glu417Gly; replaces glutamic acid 417 with glycine.
Molecular consequence: missense variant. On other transcripts: non-coding transcript variant (1).
Genome position (GRCh38, 1-based): chr7:45,075,972, A>G. VCF-style: chr7-45075972-A-G. GRCh37 (hg19) VCF-style: chr7-45115571-A-G.
Other names: c.1313A>G, p.Glu438Gly (NM_001029835.2); c.1076A>G, p.Glu359Gly (NM_001167934.2); c.977A>G, p.Glu326Gly (NM_001167935.2); c.1373A>G, p.Glu458Gly (NM_001363458.2); c.1199A>G, p.Glu400Gly (NM_001363459.2); short protein forms E400G, E438G, E359G, E417G, E326G, E458G.
Identifiers: ClinVar variation 4221955 (VCV004221955.1).

ClinVar aggregate classification (germline): Uncertain significance (1 of 4 stars; one submission).

Conditions:
Inborn genetic diseases. Identifiers: MedGen C0950123, MeSH D030342.

gnomAD v4.1: 9 of 1,613,002 alleles (0.00056%); highest among the groups gnomAD compares: African/African-American, 0.0013%; no homozygotes.

Submission:

Ambry Genetics
Classification: Uncertain significance for Inborn genetic diseases. Last evaluated: 2025-08-28. Review status: criteria provided, single submitter. Criteria: Ambry Variant Classification Scheme 2023. Collection method: clinical testing. Allele origin: germline.
Comment: The p.E417G variant (also known as c.1250A>G), located in coding exon 10 of the CCM2 gene, results from an A to G substitution at nucleotide position 1250. The glutamic acid at codon 417 is replaced by glycine, an amino acid with similar properties. This amino acid position is conserved. In addition, the in silico prediction for this alteration is inconclusive. Based on the available evidence, the clinical significance of this variant remains unclear.